The following is an entry in ClinVar:

NM_004655.4(AXIN2):c.1751A>C (p.Lys584Thr)

Gene: AXIN2 (axin 2; minus strand). Cytogenetic location: 17q24.1.
Variant type: single nucleotide variant.
Coding change: c.1751A>C on transcript NM_004655.4 (MANE Select); coding-DNA position 1751, A replaced by C.
Protein change: p.Lys584Thr; replaces lysine 584 with threonine.
Molecular consequence: missense variant. On other transcripts: intron variant (1).
Genome position (GRCh38, 1-based): chr17:65,537,025, T>G on the plus strand (A>C on the coding strand, the complement: AXIN2 is on the minus strand). VCF-style: chr17-65537025-T-G. GRCh37 (hg19) VCF-style: chr17-63533143-T-G.
Other names: c.1712+299A>C (NM_001363813.1); short protein forms K584T.
Identifiers: ClinVar variation 1433468 (VCV001433468.12), dbSNP rs769404267, ClinGen allele CA8718535.

ClinVar aggregate classification (germline): Uncertain significance. Review status: criteria provided, multiple submitters, no conflicts (2 of 4 stars). 3 submissions from 3 submitters: Uncertain significance (3). Last evaluated 2024-07-08.

Conditions:
Hereditary cancer-predisposing syndrome. Also called: Hereditary Cancer Syndrome; Hereditary neoplastic syndrome; Neoplastic Syndromes, Hereditary; Tumor predisposition. Identifiers: Orphanet 140162, MedGen C0027672, MeSH D009386, MONDO:0015356.
Colorectal cancer. Also called: Malignant Colorectal Neoplasm; Colorectal cancer, somatic. Identifiers: MedGen C0346629, MONDO:0005575, OMIM 114500.
Oligodontia-cancer predisposition syndrome. Also called: TOOTH AGENESIS-COLORECTAL CANCER SYNDROME. Identifiers: Orphanet 300576, MedGen C1837750, MONDO:0012075, OMIM 608615. Disease mechanism: loss of function.

Allele frequency attached by ClinVar (database versions not stated): gnomAD exomes below 0.00001 and 0.00001; ExAC 0.00002.

Submissions (3):

Ambry Genetics
Classification: Uncertain significance for Hereditary cancer-predisposing syndrome. Last evaluated: 2024-07-08. Review status: criteria provided, single submitter. Criteria: Ambry Variant Classification Scheme 2023. Collection method: clinical testing. Allele origin: germline.
Comment: The p.K584T variant (also known as c.1751A>C), located in coding exon 6 of the AXIN2 gene, results from an A to C substitution at nucleotide position 1751. The lysine at codon 584 is replaced by threonine, an amino acid with similar properties. This amino acid position is well conserved in available vertebrate species. In addition, this alteration is predicted to be tolerated by in silico analysis. Based on the available evidence, the clinical significance of this variant remains unclear.

Labcorp Genetics (formerly Invitae), Labcorp
Classification: Uncertain significance for Oligodontia-cancer predisposition syndrome. Last evaluated: 2024-04-07. Review status: criteria provided, single submitter. Criteria: Invitae Variant Classification Sherloc (09022015). Collection method: clinical testing. Allele origin: germline.
Comment: This sequence change replaces lysine, which is basic and polar, with threonine, which is neutral and polar, at codon 584 of the AXIN2 protein (p.Lys584Thr). This variant is present in population databases (rs769404267, gnomAD 0.002%). This variant has not been reported in the literature in individuals affected with AXIN2-related conditions. ClinVar contains an entry for this variant (Variation ID: 1433468). Advanced modeling of protein sequence and biophysical properties (such as structural, functional, and spatial information, amino acid conservation, physicochemical variation, residue mobility, and thermodynamic stability) performed at Invitae indicates that this missense variant is not expected to disrupt AXIN2 protein function with a negative predictive value of 80%. In summary, the available evidence is currently insufficient to determine the role of this variant in disease. Therefore, it has been classified as a Variant of Uncertain Significance.

Baylor Genetics
Classification: Uncertain significance for Colorectal cancer. Last evaluated: 2024-03-11. Review status: criteria provided, single submitter. Criteria: ACMG Guidelines, 2015. Collection method: clinical testing. Allele origin: unknown.